The following is an entry in ClinVar:

NM_004972.4(JAK2):c.2599C>T (p.Arg867Trp)

Genes: INSL6 (insulin like 6; minus strand), JAK2 (Janus kinase 2; plus strand). Cytogenetic location: 9p24.1.
Variant type: single nucleotide variant.
Coding change: c.2599C>T on transcript NM_004972.4 (MANE Select); coding-DNA position 2599, C replaced by T.
Protein change: p.Arg867Trp; replaces arginine 867 with tryptophan.
Molecular consequence: missense variant. On other transcripts: non-coding transcript variant (2).
Genome position (GRCh38, 1-based): chr9:5,089,701, C>T. VCF-style: chr9-5089701-C-T. GRCh37 (hg19) VCF-style: chr9-5089701-C-T.
Other names: c.2599C>T, p.Arg867Trp (NM_001322194.2, NM_001322195.2, NM_001322196.2); c.1384C>T, p.Arg462Trp (NM_001322198.2, NM_001322199.2); c.2152C>T, p.Arg718Trp (NM_001322204.2); short protein forms R462W, R718W, R867W.
Identifiers: ClinVar variation 2958894 (VCV002958894.6), dbSNP rs768465183, ClinGen allele CA4972201.

ClinVar aggregate classification (germline): Uncertain significance. Review status: criteria provided, multiple submitters, no conflicts (2 of 4 stars). 2 submissions from 2 submitters: Uncertain significance (2). Last evaluated 2025-12-11.
ClinVar aggregate classification (oncogenicity): Uncertain significance (1 of 4 stars; one submission).

Conditions:
Neoplasm. Also called: tumor; Neoplasms; Neoplasm (disease). Identifiers: MedGen C0027651, MeSH D009369, MONDO:0005070, HP:0002664.

Allele frequency attached by ClinVar (database versions not stated): ExAC 0.00001; gnomAD exomes below 0.00001.
gnomAD v4.1: 5 of 1,462,974 alleles (0.00034%); highest among the groups gnomAD compares: East Asian, 0.0026%; no homozygotes.

Submissions (3):

Labcorp Genetics (formerly Invitae), Labcorp
Classification: Uncertain significance. Last evaluated: 2025-12-11. Review status: criteria provided, single submitter. Criteria: Invitae Variant Classification Sherloc (09022015). Collection method: clinical testing. Allele origin: germline.
Comment: This sequence change replaces arginine, which is basic and polar, with tryptophan, which is neutral and slightly polar, at codon 867 of the JAK2 protein (p.Arg867Trp). The frequency data for this variant in the population databases is considered unreliable, as metrics indicate poor data quality at this position in the gnomAD database. This missense change has been observed in individual(s) with thrombocytosis (internal data). It has also been observed to segregate with disease in related individuals. ClinVar contains an entry for this variant (Variation ID: 2958894). Invitae Evidence Modeling of protein sequence and biophysical properties (such as structural, functional, and spatial information, amino acid conservation, physicochemical variation, residue mobility, and thermodynamic stability) indicates that this missense variant is expected to disrupt JAK2 protein function with a positive predictive value of 80%. This variant disrupts the p.Arg867 amino acid residue in JAK2. Other variant(s) that disrupt this residue have been determined to be pathogenic (PMID: 24398328, 29368262). This suggests that this residue is clinically significant, and that variants that disrupt this residue are likely to be disease-causing. In summary, the available evidence is currently insufficient to determine the role of this variant in disease. Therefore, it has been classified as a Variant of Uncertain Significance.

Center for Genomic Medicine, Rigshospitalet, Copenhagen University Hospital
Classification: Uncertain significance for Neoplasm. Last evaluated: 2025-03-04. Review status: criteria provided, single submitter. Criteria: ClinGen/CGC/VICC Guidelines for Oncogenicity, 2022. Collection method: clinical testing. Allele origin: somatic. Affected: yes.

GeneDx
Classification: Uncertain significance. Last evaluated: 2024-01-22. Review status: criteria provided, single submitter. Criteria: GeneDx Variant Classification Process June 2021. Collection method: clinical testing. Allele origin: germline. Affected: yes.
Comment: Reported in an individual with essential thrombocythemia in published literature who harbored also a variant in a second gene (PMID: 30304655); Not observed at significant frequency in large population cohorts (gnomAD); In silico analysis supports that this missense variant has a deleterious effect on protein structure/function; This variant is associated with the following publications: (PMID: 24398328, 30304655)

Literature cited by the submitters: PubMed 24398328 (cited by Labcorp Genetics (formerly Invitae), Labcorp and Center for Genomic Medicine, Rigshospitalet, Copenhagen University Hospital); PubMed 29368262 (cited by Labcorp Genetics (formerly Invitae), Labcorp).